The following is an entry in ClinVar:

NM_000535.7(PMS2):c.1362G>C (p.Leu454=)

Gene: PMS2 (PMS1 homolog 2, mismatch repair system component; minus strand). Cytogenetic location: 7p22.1.
Variant type: single nucleotide variant.
Coding change: c.1362G>C on transcript NM_000535.7 (MANE Select); coding-DNA position 1362, G replaced by C.
Protein change: p.Leu454=; no amino-acid change (leucine 454 retained).
Molecular consequence: synonymous variant. On other transcripts: non-coding transcript variant (1).
Genome position (GRCh38, 1-based): chr7:5,987,403, C>G on the plus strand (G>C on the coding strand, the complement: PMS2 is on the minus strand). VCF-style: chr7-5987403-C-G. GRCh37 (hg19) VCF-style: chr7-6027034-C-G.
Other names: c.957G>C, p.Leu319= (NM_001322003.2, NM_001322004.2, NM_001322005.2 and 1 more transcripts); c.1206G>C, p.Leu402= (NM_001322006.2); c.1044G>C, p.Leu348= (NM_001322007.2, NM_001322008.2); c.801G>C, p.Leu267= (NM_001322010.2); c.429G>C, p.Leu143= (NM_001322011.2, NM_001322012.2); c.789G>C, p.Leu263= (NM_001322013.2); c.1362G>C, p.Leu454= (NM_001322014.2); c.1053G>C, p.Leu351= (NM_001322015.2).
Identifiers: ClinVar variation 818984 (VCV000818984.16), dbSNP rs1583321045, ClinGen allele CA453746849.

ClinVar aggregate classification (germline): Benign/Likely benign. Review status: criteria provided, multiple submitters, no conflicts (2 of 4 stars). 4 submissions from 4 submitters: Benign (1); Likely benign (3). Last evaluated 2025-12-21.

Conditions:
Hereditary nonpolyposis colorectal neoplasms. Identifiers: MedGen C0009405, MeSH D003123.
Lynch syndrome 4 (LYNCH4). Also called: Hereditary non-polyposis colorectal cancer, type 4; Colorectal cancer, hereditary nonpolyposis, type 4. Identifiers: Orphanet 144, MedGen C1838333, MONDO:0013699, OMIM 614337. Disease mechanism: loss of function.
Hereditary cancer-predisposing syndrome. Also called: Tumor predisposition; Hereditary neoplastic syndrome; Neoplastic Syndromes, Hereditary; Hereditary Cancer Syndrome. Identifiers: Orphanet 140162, MedGen C0027672, MeSH D009386, MONDO:0015356.

Submissions (4):

Labcorp Genetics (formerly Invitae), Labcorp
Classification: Likely benign for Hereditary nonpolyposis colorectal neoplasms. Last evaluated: 2025-12-21. Review status: criteria provided, single submitter. Criteria: Invitae Variant Classification Sherloc (09022015). Collection method: clinical testing. Allele origin: germline.

Myriad Genetics, Inc.
Classification: Benign for Lynch syndrome 4. Last evaluated: 2025-01-30. Review status: criteria provided, single submitter. Criteria: Myriad Autosomal Dominant, Autosomal Recessive and X-Linked Classification Criteria (2023). Collection method: clinical testing. Allele origin: unknown.
Comment: This variant is considered benign. This variant is a silent/synonymous amino acid change and it is not expected to impact splicing.

Color Diagnostics, LLC DBA Color Health
Classification: Likely benign for Hereditary cancer-predisposing syndrome. Last evaluated: 2022-08-01. Review status: criteria provided, single submitter. Criteria: ACMG Guidelines, 2015. Collection method: clinical testing. Allele origin: germline.

Ambry Genetics
Classification: Likely benign for Hereditary cancer-predisposing syndrome. Last evaluated: 2018-08-15. Review status: criteria provided, single submitter. Criteria: Ambry Variant Classification Scheme 2023. Collection method: clinical testing. Allele origin: germline.